The following is an entry in ClinVar:

ClinVar aggregate classification (germline): Uncertain significance (1 of 4 stars; one submission).

Allele frequency attached by ClinVar (database versions not stated): gnomAD exomes 0.00001; TOPMed 0.00001; gnomAD 0.00003.
gnomAD v4.1: 12 of 1,569,138 alleles (0.00076%); highest among the groups gnomAD compares: African/African-American, 0.0095%; no homozygotes.

Submission:

Labcorp Genetics (formerly Invitae), Labcorp
Classification: Uncertain significance. Last evaluated: 2022-09-10. Review status: criteria provided, single submitter. Criteria: Invitae Variant Classification Sherloc (09022015). Collection method: clinical testing. Allele origin: germline.
Comment: This sequence change replaces alanine, which is neutral and non-polar, with valine, which is neutral and non-polar, at codon 18 of the LRP2 protein (p.Ala18Val). The frequency data for this variant in the population databases is considered unreliable, as metrics indicate poor data quality at this position in the gnomAD database. This variant has not been reported in the literature in individuals affected with LRP2-related conditions. Advanced modeling of protein sequence and biophysical properties (such as structural, functional, and spatial information, amino acid conservation, physicochemical variation, residue mobility, and thermodynamic stability) performed at Invitae indicates that this missense variant is not expected to disrupt LRP2 protein function. In summary, the available evidence is currently insufficient to determine the role of this variant in disease. Therefore, it has been classified as a Variant of Uncertain Significance.

NM_004525.3(LRP2):c.53C>T (p.Ala18Val)

Gene: LRP2 (LDL receptor related protein 2; minus strand). Cytogenetic location: 2q31.1.
Variant type: single nucleotide variant.
Coding change: c.53C>T on transcript NM_004525.3 (MANE Select); coding-DNA position 53, C replaced by T.
Protein change: p.Ala18Val; replaces alanine 18 with valine.
Molecular consequence: missense variant.
Genome position (GRCh38, 1-based): chr2:169,362,347, G>A on the plus strand (C>T on the coding strand, the complement: LRP2 is on the minus strand). VCF-style: chr2-169362347-G-A. GRCh37 (hg19) VCF-style: chr2-170218857-G-A.
Other names: short protein forms A18V.
Identifiers: ClinVar variation 2073082 (VCV002073082.1), dbSNP rs1348031583, ClinGen allele CA349256830.
Genomic context (GRCh38, chr2:169,362,347, plus strand): 5'-GGGGCTCCACGAGAGGCTCTGGCTGGGCTCTTACCTTGGCCACTGGCCGGCGCTAGGCAG[G>A]CGACGAGAGCCAGGAGCAGCGTGCACGCCACTGCTGCCGGCCCGCGATCCATCTCCGCGA-3'
Protein context (NP_004516.2, residues 8-28): VACTLLLALV[Ala18Val]CLAPASGQEC